The following is an entry in ClinVar:

ClinVar aggregate classification (germline): Uncertain significance (1 of 4 stars; one submission).

Conditions:
Inflammatory skin and bowel disease, neonatal, 1. Identifiers: Orphanet 294023, MedGen C3280501, MONDO:0013693, OMIM 614328.

Submission:

Labcorp Genetics (formerly Invitae), Labcorp
Classification: Uncertain significance for Inflammatory skin and bowel disease, neonatal, 1. Last evaluated: 2022-07-06. Review status: criteria provided, single submitter. Criteria: Invitae Variant Classification Sherloc (09022015). Collection method: clinical testing. Allele origin: germline.
Comment: This sequence change replaces glutamine, which is neutral and polar, with proline, which is neutral and non-polar, at codon 740 of the ADAM17 protein (p.Gln740Pro). This variant is present in population databases (no rsID available, gnomAD 0.1%). This variant has not been reported in the literature in individuals affected with ADAM17-related conditions. Algorithms developed to predict the effect of missense changes on protein structure and function are either unavailable or do not agree on the potential impact of this missense change (SIFT: "Not Available"; PolyPhen-2: "Benign"; Align-GVGD: "Not Available"). In summary, the available evidence is currently insufficient to determine the role of this variant in disease. Therefore, it has been classified as a Variant of Uncertain Significance.

NM_003183.6(ADAM17):c.2219_2220delinsCA (p.Gln740Pro)

Genes: ADAM17 (ADAM metallopeptidase domain 17; minus strand), IAH1 (isoamyl acetate hydrolyzing esterase 1 (putative); plus strand). Cytogenetic location: 2p25.1.
Variant type: Indel.
Coding change: c.2219_2220delinsCA on transcript NM_003183.6 (MANE Select); coding-DNA positions 2219 to 2220, AG replaced by CA.
Protein change: p.Gln740Pro; replaces glutamine 740 with proline.
Molecular consequence: missense variant.
Genome position (GRCh38, 1-based): chr2:9,490,432-9,490,433, CT replaced by TG on the plus strand (AG replaced by CA on the coding strand, the reverse complement: ADAM17 is on the minus strand). VCF-style: chr2-9490432-CT-TG. GRCh37 (hg19) VCF-style: chr2-9630561-CT-TG.
Other names: c.1559_1560delinsCA, p.Gln520Pro (NM_001382777.1); c.1322_1323delinsCA, p.Gln441Pro (NM_001382778.1); short protein forms Q520P, Q441P, Q740P.
Identifiers: ClinVar variation 2055327 (VCV002055327.1), dbSNP rs2531057640, ClinGen allele CA2580068144.
Genomic context (GRCh38, chr2:9,490,432, plus strand): 5'-GTCCATTCTCTGGTGGTCCAGTTTTGGAGCTGCTGGCGCCGAAGGGATCACAGGGGCAGG[CT>TG]GCAGGCGGCCTGGAGTCTGGGGCGCAGGAAAGGGTTTGATAATGCGAACCGATGCAGAAT-3'
Protein context (NP_003174.3, residues 730-750): FPAPQTPGRL[Gln740Pro]PAPVIPSAPA